The following is an entry in ClinVar:

ClinVar aggregate classification (germline): Uncertain significance (1 of 4 stars; one submission).

Conditions:
Multiple gastrointestinal atresias. Also called: Multiple intestinal atresia; FAMILIAL INTESTINAL POLYATRESIA SYNDROME. Identifiers: Orphanet 2300, MedGen C0220744, MONDO:0009465.

gnomAD v4.1: 11 of 1,613,860 alleles (0.00068%); highest among the groups gnomAD compares: Admixed American, 0.0017%; no homozygotes.

Submission:

Labcorp Genetics (formerly Invitae), Labcorp
Classification: Uncertain significance for Multiple gastrointestinal atresias. Last evaluated: 2020-10-05. Review status: criteria provided, single submitter. Criteria: Invitae Variant Classification Sherloc (09022015). Collection method: clinical testing. Allele origin: germline.
Comment: Algorithms developed to predict the effect of missense changes on protein structure and function are either unavailable or do not agree on the potential impact of this missense change (SIFT: "Deleterious"; PolyPhen-2: "Probably Damaging"; Align-GVGD: "Class C0"). In summary, the available evidence is currently insufficient to determine the role of this variant in disease. Therefore, it has been classified as a Variant of Uncertain Significance. This variant has not been reported in the literature in individuals with TTC7A-related conditions. This sequence change replaces arginine with leucine at codon 803 of the TTC7A protein (p.Arg803Leu). The arginine residue is moderately conserved and there is a moderate physicochemical difference between arginine and leucine. This variant is present in population databases (rs146165942, ExAC 0.005%).

NM_020458.4(TTC7A):c.2408G>T (p.Arg803Leu)

Gene: TTC7A (tetratricopeptide repeat domain 7A; plus strand). Cytogenetic location: 2p21.
Variant type: single nucleotide variant.
Coding change: c.2408G>T on transcript NM_020458.4 (MANE Select); coding-DNA position 2408, G replaced by T.
Protein change: p.Arg803Leu; replaces arginine 803 with leucine.
Molecular consequence: missense variant.
Genome position (GRCh38, 1-based): chr2:47,073,754, G>T. VCF-style: chr2-47073754-G-T. GRCh37 (hg19) VCF-style: chr2-47300893-G-T.
Other names: c.2480G>T, p.Arg827Leu (NM_001288951.2); c.2306G>T, p.Arg769Leu (NM_001288953.2); c.1346G>T, p.Arg449Leu (NM_001288955.2); short protein forms R449L, R769L, R803L, R827L.
Identifiers: ClinVar variation 1015042 (VCV001015042.9), dbSNP rs146165942, ClinGen allele CA1648152.
Genomic context (GRCh38, chr2:47,073,754, plus strand): 5'-GTCCACAGGGTCTGATGCTGAGTCGGCTGGGCCACAAGAGCTTGGCCCAGAAGGTGCTTC[G>T]TGATGCCGTGGAGAGGCAGAGTACGTGCCACGAGGCGTGGCAGGGCCTGGGCGAGGTGCT-3'
Protein context (NP_065191.2, residues 793-813): GHKSLAQKVL[Arg803Leu]DAVERQSTCH